The following is an entry in ClinVar:

ClinVar aggregate classification (germline): Likely benign. Review status: criteria provided, multiple submitters, no conflicts (2 of 4 stars). 5 submissions from 5 submitters: Likely benign (4). 1 of the submissions does not count toward it. Last evaluated 2025-11-26.

Conditions:
Autosomal dominant hypocalcemia 1 (HYPOC1). Also called: HYPOCALCEMIA, FAMILIAL. Identifiers: MedGen C3715128, MONDO:0011013, OMIM 601198.
Familial hypocalciuric hypercalcemia (FHH). Also called: Familial benign hypercalcemia. Identifiers: Orphanet 405, MedGen C1809471, MONDO:0018458.
Nephrolithiasis/nephrocalcinosis. Identifiers: MedGen CN580796.

Allele frequency attached by ClinVar (database versions not stated): gnomAD 0.00003; gnomAD exomes 0.00004; ExAC 0.00009; TOPMed 0.00043; 1000 Genomes Project 30x 0.00125; 1000 Genomes Project 0.00140.
gnomAD v4.1: 70 of 1,614,168 alleles (0.0043%); highest among the groups gnomAD compares: Admixed American, 0.072%; no homozygotes.

Submissions (5):

Labcorp Genetics (formerly Invitae), Labcorp
Classification: Likely benign for Familial hypocalciuric hypercalcemia; Autosomal dominant hypocalcemia 1. Last evaluated: 2025-11-26. Review status: criteria provided, single submitter. Criteria: Invitae Variant Classification Sherloc (09022015). Collection method: clinical testing. Allele origin: germline.

Blueprint Genetics
Classification: Likely benign. Last evaluated: 2024-09-23. Review status: criteria provided, single submitter. Criteria: ACMG Guidelines, 2015. Collection method: clinical testing. Allele origin: germline.

Genetic Services Laboratory, University of Chicago
Classification: Likely benign. Last evaluated: 2021-11-10. Review status: criteria provided, single submitter. Criteria: ACMG Guidelines, 2015. Collection method: clinical testing. Allele origin: germline. Affected: no.

Ambry Genetics
Classification: Likely benign for Nephrolithiasis/nephrocalcinosis. Last evaluated: 2019-05-19. Review status: criteria provided, single submitter. Criteria: Ambry Variant Classification Scheme 2023. Collection method: clinical testing. Allele origin: germline.

Martin Pollak Laboratory,  Beth Israel Deaconess Medical Center
Classification: Uncertain significance. Review status: no assertion criteria provided. Collection method: not provided. Allele origin: unknown. Not counted in ClinVar's aggregate classification.
Comment: Higher UCa2+ group
ClinVar note: Converted during submission from unknown to Uncertain significance.

NM_000388.4(CASR):c.1668G>A (p.Glu556=)

Gene: CASR (calcium sensing receptor; plus strand). Cytogenetic location: 3q21.1.
Variant type: single nucleotide variant.
Coding change: c.1668G>A on transcript NM_000388.4 (MANE Select); coding-DNA position 1668, G replaced by A.
Protein change: p.Glu556=; no amino-acid change (glutamic acid 556 retained).
Molecular consequence: synonymous variant.
Genome position (GRCh38, 1-based): chr3:122,282,172, G>A. VCF-style: chr3-122282172-G-A. GRCh37 (hg19) VCF-style: chr3-122001019-G-A.
Other names: c.1698G>A, p.Glu566= (NM_001178065.2).
Identifiers: ClinVar variation 64431 (VCV000064431.19), dbSNP rs186279271, ClinGen allele CA216126.